The following is an entry in ClinVar:

ClinVar aggregate classification (germline): Pathogenic/Likely pathogenic. Review status: criteria provided, multiple submitters, no conflicts (2 of 4 stars). 2 submissions from 2 submitters: Pathogenic (1); Likely pathogenic (1). Last evaluated 2025-03-06.

Conditions:
Hyperammonemia, type III (NAGSD). Also called: Hyperammonemia due to N-acetylglutamate synthase deficiency. Identifiers: Orphanet 927, MedGen C0268543, MONDO:0009377, OMIM 237310.

Submissions (2):

Natera, Inc.
Classification: Likely pathogenic for Hyperammonemia type III. Last evaluated: 2025-03-06. Review status: criteria provided, single submitter. Criteria: Natera Variant Classification Schema (03/2026). Collection method: clinical testing. Allele origin: germline.
Comment: The c.46del variant in NAGS is a frameshift variant predicted to shift the reading frame beginning at codon 16 and leads to a stop codon 4 codons downstream. This variant is expected to result in nonsense mediated decay, truncation, or a dysfunctional protein product. This variant is rare in the general population with a frequency below the threshold expected for the associated phenotype(s). Given the available evidence, this variant is classified as Likely Pathogenic.

Labcorp Genetics (formerly Invitae), Labcorp
Classification: Pathogenic for Hyperammonemia, type III. Last evaluated: 2021-05-02. Review status: criteria provided, single submitter. Criteria: Invitae Variant Classification Sherloc (09022015). Collection method: clinical testing. Allele origin: germline.
Comment: This sequence change creates a premature translational stop signal (p.Ala16Profs*4) in the NAGS gene. It is expected to result in an absent or disrupted protein product. Loss-of-function variants in NAGS are known to be pathogenic (PMID: 12594532). This variant is not present in population databases (ExAC no frequency). This variant has not been reported in the literature in individuals with NAGS-related conditions. For these reasons, this variant has been classified as Pathogenic.

Literature cited by the submitters: PubMed 12594532 (cited by Labcorp Genetics (formerly Invitae), Labcorp).

NM_153006.3(NAGS):c.46del (p.Ala16fs)

Gene: NAGS (N-acetylglutamate synthase; plus strand). Cytogenetic location: 17q21.31.
Variant type: Deletion.
Coding change: c.46del on transcript NM_153006.3 (MANE Select); coding-DNA position 46, one base deleted (G; older notation c.46delG).
Protein change: p.Ala16fs; shifts the reading frame from alanine 16.
Molecular consequence: frameshift variant.
Genome position (GRCh38, 1-based): chr17:44,004,709, G deleted. VCF-style (leftmost placement, unchanged base first): chr17-44004708-AG-A. GRCh37 (hg19) VCF-style: chr17-42082076-AG-A.
Other names: c.46del (NM_153006.2); short protein forms A16fs.
Identifiers: ClinVar variation 1445775 (VCV001445775.8), dbSNP rs2143978288, ClinGen allele CA2573154094.
Genomic context (GRCh38, chr17:44,004,708, plus strand): 5'-AGAGTTGGTTGTCGTCATGGCGACGGCGCTGATGGCTGTGGTTCTGCGGGCAGCTGCTGT[AG>A]CCCCGAGGCTGAGAGGCCGGGGAGGCACTGGGGGCGCCCGAAGGCTGAGCTGTGGCGCGC-3'